The following is an entry in ClinVar:

NM_006231.4(POLE):c.2380T>C (p.Cys794Arg)

Gene: POLE (DNA polymerase epsilon, catalytic subunit; minus strand). Cytogenetic location: 12q24.33.
Variant type: single nucleotide variant.
Coding change: c.2380T>C on transcript NM_006231.4 (MANE Select); coding-DNA position 2380, T replaced by C.
Protein change: p.Cys794Arg; replaces cysteine 794 with arginine.
Molecular consequence: missense variant.
Genome position (GRCh38, 1-based): chr12:132,665,390, A>G on the plus strand (T>C on the coding strand, the complement: POLE is on the minus strand). VCF-style: chr12-132665390-A-G. GRCh37 (hg19) VCF-style: chr12-133241976-A-G.
Other names: short protein forms C794R.
Identifiers: ClinVar variation 843031 (VCV000843031.12), dbSNP rs2042772022, ClinGen allele CA387397509.
Genomic context (GRCh38, chr12:132,665,390, plus strand): 5'-AGTTCAGGATGCACTTGTGGGCCAGCTGCAGCGAGTCATACAGCACCTCCATGTTCTTGC[A>G]GCGCTTCACCTCAGCCGCGTCGCCCACCTCCACGGCCGCCGAGAGCTTCTTTTTCCACAC-3'
Protein context (NP_006222.2, residues 784-804): EVGDAAEVKR[Cys794Arg]KNMEVLYDSL

ClinVar aggregate classification (germline): Uncertain significance. Review status: criteria provided, multiple submitters, no conflicts (2 of 4 stars). 2 submissions from 2 submitters: Uncertain significance (2). Last evaluated 2023-02-14.

Conditions:
Hereditary cancer-predisposing syndrome. Also called: Hereditary Cancer Syndrome; Hereditary neoplastic syndrome; Tumor predisposition; Neoplastic Syndromes, Hereditary. Identifiers: Orphanet 140162, MedGen C0027672, MeSH D009386, MONDO:0015356.

Submissions (2):

Labcorp Genetics (formerly Invitae), Labcorp
Classification: Uncertain significance. Last evaluated: 2023-02-14. Review status: criteria provided, single submitter. Criteria: Invitae Variant Classification Sherloc (09022015). Collection method: clinical testing. Allele origin: germline.
Comment: This sequence change replaces cysteine, which is neutral and slightly polar, with arginine, which is basic and polar, at codon 794 of the POLE protein (p.Cys794Arg). This variant is not present in population databases (gnomAD no frequency). This variant has not been reported in the literature in individuals affected with POLE-related conditions. ClinVar contains an entry for this variant (Variation ID: 843031). Advanced modeling of protein sequence and biophysical properties (such as structural, functional, and spatial information, amino acid conservation, physicochemical variation, residue mobility, and thermodynamic stability) performed at Invitae indicates that this missense variant is not expected to disrupt POLE protein function. In summary, the available evidence is currently insufficient to determine the role of this variant in disease. Therefore, it has been classified as a Variant of Uncertain Significance.

Ambry Genetics
Classification: Uncertain significance for Hereditary cancer-predisposing syndrome. Last evaluated: 2022-10-27. Review status: criteria provided, single submitter. Criteria: Ambry Variant Classification Scheme 2023. Collection method: clinical testing. Allele origin: germline.
Comment: The p.C794R variant (also known as c.2380T>C), located in coding exon 21 of the POLE gene, results from a T to C substitution at nucleotide position 2380. The cysteine at codon 794 is replaced by arginine, an amino acid with highly dissimilar properties. This amino acid position is conserved. In addition, the in silico prediction for this alteration is inconclusive. Since supporting evidence is limited at this time, the clinical significance of this alteration remains unclear.